The following is an entry in ClinVar:

ClinVar aggregate classification (germline): Likely benign (1 of 4 stars; one submission).

gnomAD v4.1: 31 of 1,612,406 alleles (0.0019%); highest among the groups gnomAD compares: African/African-American, 0.004%; no homozygotes.

Submission:

CeGaT Center for Human Genetics Tuebingen
Classification: Likely benign. Last evaluated: 2025-01-01. Review status: criteria provided, single submitter. Criteria: CeGaT Center For Human Genetics Tuebingen Variant Classification Criteria Version 2. Collection method: clinical testing. Allele origin: germline. Affected: yes. Observed: 1 variant allele.
Comment: DNAH17: BP4, BP7

NM_173628.4(DNAH17):c.3858T>G (p.Val1286=)

Gene: DNAH17 (dynein axonemal heavy chain 17; minus strand). Cytogenetic location: 17q25.3.
Variant type: single nucleotide variant.
Coding change: c.3858T>G on transcript NM_173628.4 (MANE Select); coding-DNA position 3858, T replaced by G.
Protein change: p.Val1286=; no amino-acid change (valine 1286 retained).
Molecular consequence: synonymous variant.
Genome position (GRCh38, 1-based): chr17:78,525,015, A>C on the plus strand (T>G on the coding strand, the complement: DNAH17 is on the minus strand). VCF-style: chr17-78525015-A-C. GRCh37 (hg19) VCF-style: chr17-76521097-A-C.
Identifiers: ClinVar variation 3771142 (VCV003771142.13).
Genomic context (GRCh38, chr17:78,525,015, plus strand): 5'-GGCAGCTCCCTGCAGAATCCCGGGCCCCACCCACGCGGCGTGCCCTGCACTCACCACAAC[A>C]ACCATGTCCCAGAGCTCCTTCAGTAGGCGGACCTCCCGGTGGCAGGCCTTGAGCTGCTTG-3'
Protein context (NP_775899.3, residues 1276-1296): VRLLKELWDM[Val1286=]VVVNTSIEDW